The following is an entry in ClinVar:

NM_000059.4(BRCA2):c.10054C>A (p.Leu3352Ile)

Gene: BRCA2 (BRCA2 DNA repair associated; plus strand). Cytogenetic location: 13q13.1.
Variant type: single nucleotide variant.
Coding change: c.10054C>A on transcript NM_000059.4 (MANE Select); coding-DNA position 10054, C replaced by A.
Protein change: p.Leu3352Ile; replaces leucine 3352 with isoleucine.
Molecular consequence: missense variant.
Genome position (GRCh38, 1-based): chr13:32,398,567, C>A. VCF-style: chr13-32398567-C-A. GRCh37 (hg19) VCF-style: chr13-32972704-C-A.
Other names: short protein forms L3352I.
Identifiers: ClinVar variation 642191 (VCV000642191.9), dbSNP rs1475702169, ClinGen allele CA387767845.

ClinVar aggregate classification (germline): Uncertain significance (1 of 4 stars; one submission).

Conditions:
Hereditary breast ovarian cancer syndrome. Also called: Hereditary breast and ovarian cancer; Hereditary breast and ovarian cancer syndrome; Hereditary breast and ovarian cancer syndrome (HBOC); Hereditary breast and/or ovarian cancer syndrome; Breast and ovarian cancer; BRCA1- and BRCA2-Associated Hereditary Breast and Ovarian Cancer. Identifiers: Orphanet 145, MedGen C0677776, MeSH D061325, MONDO:0003582. Disease mechanism: loss of function.

Submission:

Labcorp Genetics (formerly Invitae), Labcorp
Classification: Uncertain significance for Hereditary breast ovarian cancer syndrome. Last evaluated: 2018-10-30. Review status: criteria provided, single submitter. Criteria: Invitae Variant Classification Sherloc (09022015). Collection method: clinical testing. Allele origin: germline.
Comment: In summary, the available evidence is currently insufficient to determine the role of this variant in disease. Therefore, it has been classified as a Variant of Uncertain Significance. Algorithms developed to predict the effect of missense changes on protein structure and function are either unavailable or do not agree on the potential impact of this missense change (SIFT: "Tolerated"; PolyPhen-2: "Possibly Damaging"; Align-GVGD: "Class C0"). This variant has not been reported in the literature in individuals with BRCA2-related disease. This variant is not present in population databases (ExAC no frequency). This sequence change replaces leucine with isoleucine at codon 3352 of the BRCA2 protein (p.Leu3352Ile). The leucine residue is highly conserved and there is a small physicochemical difference between leucine and isoleucine.